The following is an entry in ClinVar:

ClinVar aggregate classification (germline): Uncertain significance (1 of 4 stars; one submission).

Conditions:
Neuropathy, hereditary sensory, type 1F. Also called: Hereditary sensory neuropathy type IF; HSN IF. Identifiers: Orphanet 36386, MedGen C3810194, MONDO:0014286, OMIM 615632.

Allele frequency attached by ClinVar (database versions not stated): gnomAD exomes below 0.00001 and 0.00001; gnomAD 0.00001; TOPMed 0.00001.
gnomAD v4.1: 7 of 1,612,382 alleles (0.00043%); highest among the groups gnomAD compares: Non-Finnish European, 0.00051%; no homozygotes.

Submission:

Labcorp Genetics (formerly Invitae), Labcorp
Classification: Uncertain significance for Neuropathy, hereditary sensory, type 1F. Last evaluated: 2025-01-02. Review status: criteria provided, single submitter. Criteria: Invitae Variant Classification Sherloc (09022015). Collection method: clinical testing. Allele origin: germline.
Comment: This sequence change replaces lysine, which is basic and polar, with arginine, which is basic and polar, at codon 341 of the ATL3 protein (p.Lys341Arg). This variant is present in population databases (no rsID available, gnomAD 0.004%). This variant has not been reported in the literature in individuals affected with ATL3-related conditions. ClinVar contains an entry for this variant (Variation ID: 1522769). Invitae Evidence Modeling of protein sequence and biophysical properties (such as structural, functional, and spatial information, amino acid conservation, physicochemical variation, residue mobility, and thermodynamic stability) indicates that this missense variant is not expected to disrupt ATL3 protein function with a negative predictive value of 80%. In summary, the available evidence is currently insufficient to determine the role of this variant in disease. Therefore, it has been classified as a Variant of Uncertain Significance.

NM_015459.5(ATL3):c.1022A>G (p.Lys341Arg)

Genes: ATL3 (atlastin GTPase 3; minus strand), LNCROPM (lncRNA regulator of PLAAT3 mediated phospholipid metabolism; plus strand). Cytogenetic location: 11q13.1.
Variant type: single nucleotide variant.
Coding change: c.1022A>G on transcript NM_015459.5 (MANE Select); coding-DNA position 1022, A replaced by G.
Protein change: p.Lys341Arg; replaces lysine 341 with arginine.
Molecular consequence: missense variant.
Genome position (GRCh38, 1-based): chr11:63,635,547, T>C on the plus strand (A>G on the coding strand, the complement: ATL3 is on the minus strand). VCF-style: chr11-63635547-T-C. GRCh37 (hg19) VCF-style: chr11-63403019-T-C.
Other names: c.968A>G, p.Lys323Arg (NM_001290048.2); short protein forms K323R, K341R.
Identifiers: ClinVar variation 1522769 (VCV001522769.6), dbSNP rs1256490363, ClinGen allele CA381026337.